The following is an entry in ClinVar:

ClinVar aggregate classification (germline): Uncertain significance (1 of 4 stars; one submission).

Conditions:
Inborn genetic diseases. Identifiers: MedGen C0950123, MeSH D030342.

gnomAD v4.1: 14 of 1,614,064 alleles (0.00087%); highest among the groups gnomAD compares: Non-Finnish European, 0.0011%; no homozygotes.

Submission:

Ambry Genetics
Classification: Uncertain significance for Inborn genetic diseases. Last evaluated: 2026-04-04. Review status: criteria provided, single submitter. Criteria: Ambry Variant Classification Scheme 2023. Collection method: clinical testing. Allele origin: germline.
Comment: The p.E324G variant (also known as c.971A>G), located in coding exon 4 of the SH2B3 gene, results from an A to G substitution at nucleotide position 971. The glutamic acid at codon 324 is replaced by glycine, an amino acid with similar properties. This amino acid position is conserved. In addition, this alteration is predicted to be tolerated by in silico analysis. Based on the available evidence, the clinical significance of this variant remains unclear.

NM_005475.3(SH2B3):c.971A>G (p.Glu324Gly)

Gene: SH2B3 (SH2B adaptor protein 3; plus strand). Cytogenetic location: 12q24.12.
Variant type: single nucleotide variant.
Coding change: c.971A>G on transcript NM_005475.3 (MANE Select); coding-DNA position 971, A replaced by G.
Protein change: p.Glu324Gly; replaces glutamic acid 324 with glycine.
Molecular consequence: missense variant.
Genome position (GRCh38, 1-based): chr12:111,447,169, A>G. VCF-style: chr12-111447169-A-G. GRCh37 (hg19) VCF-style: chr12-111884973-A-G.
Other names: c.365A>G, p.Glu122Gly (NM_001291424.1); short protein forms E122G, E324G.
Identifiers: ClinVar variation 4864405 (VCV004864405.1).
Genomic context (GRCh38, chr12:111,447,169, plus strand): 5'-GCCTCTTCTCCAGCAGGCTGGAGAGCACAGAAGCAGAGATGCATATTCCCTCAGCCCTAG[A>G]GCCTAGCACGTCCAGCTCCCCAAGGGGCAGCACAGATTCCCTTAACCAAGGTGGGTAAAC-3'
Protein context (NP_005466.1, residues 314-334): EAEMHIPSAL[Glu324Gly]PSTSSSPRGS